The following is an entry in ClinVar:

ClinVar aggregate classification (germline): Conflicting classifications of pathogenicity. Review status: criteria provided, conflicting classifications (1 of 4 stars). 6 submissions from 6 submitters: Uncertain significance (1); Benign (1); Likely benign (3). 1 of the submissions does not count toward it. Last evaluated 2025-10-01.

Conditions:
ZFYVE26-related disorder. Also called: ZFYVE26-related condition.
Inborn genetic diseases. Identifiers: MedGen C0950123, MeSH D030342.
Spastic paraplegia. Identifiers: MedGen C0037772, HP:0001258.

Allele frequency attached by ClinVar (database versions not stated): gnomAD exomes 0.00010 and 0.00028; ExAC 0.00031; 1000 Genomes Project 0.00060; 1000 Genomes Project 30x 0.00078; gnomAD 0.00092 and 0.00107; ESP Exome Variant Server 0.00108; TOPMed 0.00113.
gnomAD v4.1: 296 of 1,613,358 alleles (0.018%); highest among the groups gnomAD compares: African/African-American, 0.34%; no homozygotes.

Submissions (6):

Mayo Clinic Laboratories, Mayo Clinic
Classification: Benign. Last evaluated: 2025-10-01. Review status: criteria provided, single submitter. Criteria: ACMG Guidelines, 2015. Collection method: clinical testing. Allele origin: germline. Observed: 1 variant allele.
Comment: BS1, BP4_strong

Labcorp Genetics (formerly Invitae), Labcorp
Classification: Likely benign for Spastic paraplegia. Last evaluated: 2025-08-17. Review status: criteria provided, single submitter. Criteria: Invitae Variant Classification Sherloc (09022015). Collection method: clinical testing. Allele origin: germline.

Ambry Genetics
Classification: Likely benign for Inborn genetic diseases. Last evaluated: 2021-10-06. Review status: criteria provided, single submitter. Criteria: Ambry Variant Classification Scheme 2023. Collection method: clinical testing. Allele origin: germline.

GeneDx
Classification: Likely benign. Last evaluated: 2019-10-28. Review status: criteria provided, single submitter. Criteria: GeneDx Variant Classification Process June 2021. Collection method: clinical testing. Allele origin: germline. Affected: yes.

CeGaT Center for Human Genetics Tuebingen
Classification: Uncertain significance. Last evaluated: 2016-05-01. Review status: criteria provided, single submitter. Criteria: CeGaT Center For Human Genetics Tuebingen Variant Classification Criteria Version 2. Collection method: clinical testing. Allele origin: germline. Affected: yes. Observed: 1 variant allele.

PreventionGenetics, part of Exact Sciences
Classification: Likely benign for ZFYVE26-related condition. Last evaluated: 2023-06-16. Review status: no assertion criteria provided. Collection method: clinical testing. Allele origin: germline. Not counted in ClinVar's aggregate classification.
Comment: This variant is classified as likely benign based on ACMG/AMP sequence variant interpretation guidelines (Richards et al. 2015 PMID: 25741868, with internal and published modifications).

NM_015346.4(ZFYVE26):c.1945G>A (p.Val649Met)

Gene: ZFYVE26 (zinc finger FYVE-type containing 26; minus strand). Cytogenetic location: 14q24.1.
Variant type: single nucleotide variant.
Coding change: c.1945G>A on transcript NM_015346.4 (MANE Select); coding-DNA position 1945, G replaced by A.
Protein change: p.Val649Met; replaces valine 649 with methionine.
Molecular consequence: missense variant.
Genome position (GRCh38, 1-based): chr14:67,798,317, C>T on the plus strand (G>A on the coding strand, the complement: ZFYVE26 is on the minus strand). VCF-style: chr14-67798317-C-T. GRCh37 (hg19) VCF-style: chr14-68265034-C-T.
Other names: p.Val649Met; short protein forms V649M.
Identifiers: ClinVar variation 682248 (VCV000682248.58), dbSNP rs144790966, ClinGen allele CA7240417.